The following is an entry in ClinVar:

ClinVar aggregate classification (germline): Uncertain significance (1 of 4 stars; one submission).

Submission:

Labcorp Genetics (formerly Invitae), Labcorp
Classification: Uncertain significance. Last evaluated: 2025-09-27. Review status: criteria provided, single submitter. Criteria: Invitae Variant Classification Sherloc (09022015). Collection method: clinical testing. Allele origin: germline.
Comment: This sequence change replaces glutamine, which is neutral and polar, with glutamic acid, which is acidic and polar, at codon 790 of the STAG1 protein (p.Gln790Glu). This variant is not present in population databases (gnomAD no frequency). This variant has not been reported in the literature in individuals affected with STAG1-related conditions. An algorithm developed to predict the effect of missense changes on protein structure and function outputs the following: PolyPhen-2: "Benign". The glutamic acid amino acid residue is found in multiple mammalian species, which suggests that this missense change does not adversely affect protein function. In summary, the available evidence is currently insufficient to determine the role of this variant in disease. Therefore, it has been classified as a Variant of Uncertain Significance.

NM_005862.3(STAG1):c.2368C>G (p.Gln790Glu)

Gene: STAG1 (STAG1 cohesin complex component; minus strand). Cytogenetic location: 3q22.3.
Variant type: single nucleotide variant.
Coding change: c.2368C>G on transcript NM_005862.3 (MANE Select); coding-DNA position 2368, C replaced by G.
Protein change: p.Gln790Glu; replaces glutamine 790 with glutamic acid.
Molecular consequence: missense variant.
Genome position (GRCh38, 1-based): chr3:136,377,662, G>C on the plus strand (C>G on the coding strand, the complement: STAG1 is on the minus strand). VCF-style: chr3-136377662-G-C. GRCh37 (hg19) VCF-style: chr3-136096504-G-C.
Other names: short protein forms Q790E.
Identifiers: ClinVar variation 4727919 (VCV004727919.1).